The following is an entry in ClinVar:

NM_000444.6(PHEX):c.1733_1735dup (p.Val578_Gly579insVal)

Genes: PHEX (phosphate regulating endopeptidase X-linked; plus strand), PTCHD1-AS (PTCHD1 and PHEX antisense RNA; minus strand). Cytogenetic location: Xp22.11.
Variant type: Duplication.
Coding change: c.1733_1735dup on transcript NM_000444.6 (MANE Select); coding-DNA positions 1733 to 1735, 3 bases duplicated (TCG; older notation c.1733_1735dupTCG).
Protein change: p.Val578_Gly579insVal.
Molecular consequence: inframe insertion.
Genome position (GRCh38, 1-based): chrX:22,219,068-22,219,070, TCG duplicated; duplicating any 3 consecutive bases within chrX:22,219,067-22,219,070 gives the same sequence; the c. name uses the placement nearest the transcript's 3' end. VCF-style (leftmost placement, unchanged base first): chrX-22219066-T-TGTC. GRCh37 (hg19) VCF-style: chrX-22237183-T-TGTC.
Other names: c.1733_1735dupTCG (NM_000444.6); c.1733_1735dup, p.Val578_Gly579insVal (NM_001282754.2).
Identifiers: ClinVar variation 2837394 (VCV002837394.4), dbSNP rs2518660152, ClinGen allele CA2739268115.

ClinVar aggregate classification (germline): Uncertain significance. Review status: criteria provided, multiple submitters, no conflicts (2 of 4 stars). 2 submissions from 2 submitters: Uncertain significance (2). Last evaluated 2025-10-16.

Submissions (2):

Women's Health and Genetics/Laboratory Corporation of America, LabCorp
Classification: Uncertain significance. Last evaluated: 2025-10-16. Review status: criteria provided, single submitter. Criteria: LabCorp Variant Classification Summary - May 2015. Collection method: clinical testing. Allele origin: germline.
Comment: Variant summary: PHEX c.1733_1735dupTCG (p.Val578dup) results in an in-frame duplication that is predicted to duplicate one amino acid into the encoded protein. The variant was absent in 183132 control chromosomes (gnomAD). The available data on variant occurrences in the general population are insufficient to allow any conclusion about variant significance. To our knowledge, no occurrence of c.1733_1735dupTCG in individuals affected with PHEX-related conditions and no experimental evidence demonstrating its impact on protein function have been reported. ClinVar contains an entry for this variant (Variation ID: 2837394). Based on the evidence outlined above, the variant was classified as uncertain significance.

Labcorp Genetics (formerly Invitae), Labcorp
Classification: Uncertain significance. Last evaluated: 2023-02-14. Review status: criteria provided, single submitter. Criteria: Invitae Variant Classification Sherloc (09022015). Collection method: clinical testing. Allele origin: germline.
Comment: In summary, the available evidence is currently insufficient to determine the role of this variant in disease. Therefore, it has been classified as a Variant of Uncertain Significance. Experimental studies and prediction algorithms are not available or were not evaluated, and the functional significance of this variant is currently unknown. This variant has been observed in individual(s) with hypophosphatemia (external communication). This variant is not present in population databases (gnomAD no frequency). This variant, c.1733_1735dup, results in the insertion of 1 amino acid(s) of the PHEX protein (p.Val578dup), but otherwise preserves the integrity of the reading frame.